The following is an entry in ClinVar:

NM_014319.5(LEMD3):c.1696G>A (p.Asp566Asn)

Gene: LEMD3 (LEM domain containing 3; plus strand). Cytogenetic location: 12q14.3.
Variant type: single nucleotide variant.
Coding change: c.1696G>A on transcript NM_014319.5 (MANE Select); coding-DNA position 1696, G replaced by A.
Protein change: p.Asp566Asn; replaces aspartic acid 566 with asparagine.
Molecular consequence: missense variant.
Genome position (GRCh38, 1-based): chr12:65,238,502, G>A. VCF-style: chr12-65238502-G-A. GRCh37 (hg19) VCF-style: chr12-65632282-G-A.
Other names: c.1693G>A, p.Asp565Asn (NM_001167614.2); short protein forms D565N, D566N.
Identifiers: ClinVar variation 4701445 (VCV004701445.1).

ClinVar aggregate classification (germline): Uncertain significance (1 of 4 stars; one submission).

Submission:

Labcorp Genetics (formerly Invitae), Labcorp
Classification: Uncertain significance. Last evaluated: 2025-09-30. Review status: criteria provided, single submitter. Criteria: Invitae Variant Classification Sherloc (09022015). Collection method: clinical testing. Allele origin: germline.
Comment: This sequence change replaces aspartic acid, which is acidic and polar, with asparagine, which is neutral and polar, at codon 566 of the LEMD3 protein (p.Asp566Asn). This variant is not present in population databases (gnomAD no frequency). This variant has not been reported in the literature in individuals affected with LEMD3-related conditions. An algorithm developed to predict the effect of missense changes on protein structure and function outputs the following: PolyPhen-2: "Benign". The asparagine amino acid residue is found in multiple mammalian species, which suggests that this missense change does not adversely affect protein function. In summary, the available evidence is currently insufficient to determine the role of this variant in disease. Therefore, it has been classified as a Variant of Uncertain Significance.